The following is an entry in ClinVar:

ClinVar aggregate classification (germline): Pathogenic (1 of 4 stars; one submission).

Conditions:
Cardiovascular phenotype. Identifiers: MedGen CN230736.

Submission:

Ambry Genetics
Classification: Pathogenic for Cardiovascular phenotype. Last evaluated: 2024-07-08. Review status: criteria provided, single submitter. Criteria: Ambry Variant Classification Scheme 2023. Collection method: clinical testing. Allele origin: germline.
Comment: The c.1023delG pathogenic mutation, located in coding exon 4 of the ALPK3 gene, results from a deletion of one nucleotide at nucleotide position 1023, causing a translational frameshift with a predicted alternate stop codon (p.Y342Tfs*33). This variant is considered to be rare based on population cohorts in the Genome Aggregation Database (gnomAD). This alteration is expected to result in loss of function by premature protein truncation or nonsense-mediated mRNA decay. As such, this alteration is interpreted as a disease-causing mutation.

NM_020778.5(ALPK3):c.417del (p.Tyr140fs)

Gene: ALPK3 (alpha kinase 3; plus strand). Cytogenetic location: 15q25.3.
Variant type: Deletion.
Coding change: c.417del on transcript NM_020778.5 (MANE Select); coding-DNA position 417, one base deleted (G; older notation c.417delG).
Protein change: p.Tyr140fs; shifts the reading frame from tyrosine 140.
Molecular consequence: frameshift variant.
Genome position (GRCh38, 1-based): chr15:84,839,092, G deleted. VCF-style (leftmost placement, unchanged base first): chr15-84839091-TG-T. GRCh37 (hg19) VCF-style: chr15-85382322-TG-T.
Other names: short protein forms Y140fs.
Identifiers: ClinVar variation 3532731 (VCV003532731.1).